The following is an entry in ClinVar:

NM_005257.6(GATA6):c.499G>C (p.Gly167Arg)

Gene: GATA6 (GATA binding protein 6; plus strand). Cytogenetic location: 18q11.2.
Variant type: single nucleotide variant.
Coding change: c.499G>C on transcript NM_005257.6 (MANE Select); coding-DNA position 499, G replaced by C.
Protein change: p.Gly167Arg; replaces glycine 167 with arginine.
Molecular consequence: missense variant.
Genome position (GRCh38, 1-based): chr18:22,171,643, G>C. VCF-style: chr18-22171643-G-C. GRCh37 (hg19) VCF-style: chr18-19751604-G-C.
Other names: short protein forms G167R.
Identifiers: ClinVar variation 1381313 (VCV001381313.8), dbSNP rs770251106, ClinGen allele CA401799798.

ClinVar aggregate classification (germline): Uncertain significance (1 of 4 stars; one submission).

Conditions:
Atrioventricular septal defect 5 (AVSD5). Identifiers: MedGen C3280939, MONDO:0013769, OMIM 614474.

Submission:

Labcorp Genetics (formerly Invitae), Labcorp
Classification: Uncertain significance for Atrioventricular septal defect 5. Last evaluated: 2022-02-10. Review status: criteria provided, single submitter. Criteria: Invitae Variant Classification Sherloc (09022015). Collection method: clinical testing. Allele origin: germline.
Comment: This sequence change replaces glycine, which is neutral and non-polar, with arginine, which is basic and polar, at codon 167 of the GATA6 protein (p.Gly167Arg). This variant is not present in population databases (gnomAD no frequency). This variant has not been reported in the literature in individuals affected with GATA6-related conditions. Algorithms developed to predict the effect of missense changes on protein structure and function are either unavailable or do not agree on the potential impact of this missense change (SIFT: "Deleterious"; PolyPhen-2: "Probably Damaging"; Align-GVGD: "Class C0"). In summary, the available evidence is currently insufficient to determine the role of this variant in disease. Therefore, it has been classified as a Variant of Uncertain Significance.